The following is an entry in ClinVar:

ClinVar aggregate classification (germline): Uncertain significance (1 of 4 stars; one submission).

Conditions:
Left ventricular noncompaction 8 (LVNC8). Identifiers: Orphanet 154, Orphanet 54260, MedGen C3809288, MONDO:0014152, OMIM 615373.

Submission:

Labcorp Genetics (formerly Invitae), Labcorp
Classification: Uncertain significance for Left ventricular noncompaction 8. Last evaluated: 2021-05-21. Review status: criteria provided, single submitter. Criteria: Invitae Variant Classification Sherloc (09022015). Collection method: clinical testing. Allele origin: germline.
Comment: This sequence change replaces glycine with glutamic acid at codon 819 of the PRDM16 protein (p.Gly819Glu). The glycine residue is moderately conserved and there is a moderate physicochemical difference between glycine and glutamic acid. The frequency data for this variant in the population databases is considered unreliable, as metrics indicate insufficient coverage at this position in the ExAC database. This variant has not been reported in the literature in individuals with PRDM16-related conditions. Algorithms developed to predict the effect of missense changes on protein structure and function are either unavailable or do not agree on the potential impact of this missense change (SIFT: "Deleterious"; PolyPhen-2: "Benign"; Align-GVGD: "Class C0"). In summary, the available evidence is currently insufficient to determine the role of this variant in disease. Therefore, it has been classified as a Variant of Uncertain Significance.

NM_022114.4(PRDM16):c.2456G>A (p.Gly819Glu)

Gene: PRDM16 (PR/SET domain 16; plus strand). Cytogenetic location: 1p36.32.
Variant type: single nucleotide variant.
Coding change: c.2456G>A on transcript NM_022114.4 (MANE Select); coding-DNA position 2456, G replaced by A.
Protein change: p.Gly819Glu; replaces glycine 819 with glutamic acid.
Molecular consequence: missense variant.
Genome position (GRCh38, 1-based): chr1:3,412,653, G>A. VCF-style: chr1-3412653-G-A. GRCh37 (hg19) VCF-style: chr1-3329217-G-A.
Other names: c.2456G>A, p.Gly819Glu (NM_199454.3); short protein forms G819E.
Identifiers: ClinVar variation 1408186 (VCV001408186.8), dbSNP rs2100664858, ClinGen allele CA338000563.